The following is an entry in ClinVar:

NM_001040108.2(MLH3):c.2312A>T (p.Glu771Val)

Gene: MLH3 (mutL homolog 3; minus strand). Cytogenetic location: 14q24.3.
Variant type: single nucleotide variant.
Coding change: c.2312A>T on transcript NM_001040108.2 (MANE Select); coding-DNA position 2312, A replaced by T.
Protein change: p.Glu771Val; replaces glutamic acid 771 with valine.
Molecular consequence: missense variant.
Genome position (GRCh38, 1-based): chr14:75,047,344, T>A on the plus strand (A>T on the coding strand, the complement: MLH3 is on the minus strand). VCF-style: chr14-75047344-T-A. GRCh37 (hg19) VCF-style: chr14-75514047-T-A.
Other names: p.Glu771Val; c.2312A>T, p.Glu771Val (NM_014381.3); short protein forms E771V.
Identifiers: ClinVar variation 2498320 (VCV002498320.2), dbSNP rs2503273222, ClinGen allele CA390440974.

ClinVar aggregate classification (germline): Uncertain significance (1 of 4 stars; one submission).

Conditions:
Colorectal cancer, hereditary nonpolyposis, type 7. Identifiers: Orphanet 144, MedGen C1858380, MONDO:0013725, OMIM 614385.

Submission:

Foundation for Research in Genetics and Endocrinology, FRIGE's Institute of Human Genetics
Classification: Uncertain significance for Colorectal cancer, hereditary nonpolyposis, type 7. Last evaluated: 2023-04-07. Review status: criteria provided, single submitter. Criteria: ACMG Guidelines, 2015. Collection method: clinical testing. Allele origin: germline. Inheritance: Autosomal dominant inheritance. Affected: yes. Observed: 1 heterozygote.
Comment: A heterozygous missense substitution (p.Glu771Val) lies in exon 2 of the MLH3 gene and alters a conserved residue in the protein. The In silico prediction of the aer variant damaging by SIFT. In summary, the variant meets our criteria to be classified as a variant of uncertain significance.